The following is an entry in ClinVar:

NM_000222.3(KIT):c.764T>C (p.Leu255Pro)

Gene: KIT (KIT proto-oncogene, receptor tyrosine kinase; plus strand). Cytogenetic location: 4q12.
Variant type: single nucleotide variant.
Coding change: c.764T>C on transcript NM_000222.3 (MANE Select); coding-DNA position 764, T replaced by C.
Protein change: p.Leu255Pro; replaces leucine 255 with proline.
Molecular consequence: missense variant.
Genome position (GRCh38, 1-based): chr4:54,703,731, T>C. VCF-style: chr4-54703731-T-C. GRCh37 (hg19) VCF-style: chr4-55569897-T-C.
Other names: c.764T>C (NM_000222.2); c.764T>C, p.Leu255Pro (NM_001093772.2, NM_001385285.1, NM_001385286.1); c.767T>C, p.Leu256Pro (NM_001385284.1, NM_001385288.1, NM_001385290.1 and 1 more transcripts); short protein forms L256P, L255P.
Identifiers: ClinVar variation 1404811 (VCV001404811.9), dbSNP rs2109692929, ClinGen allele CA356899255.

ClinVar aggregate classification (germline): Uncertain significance. Review status: criteria provided, multiple submitters, no conflicts (2 of 4 stars). 2 submissions from 2 submitters: Uncertain significance (2). Last evaluated 2023-12-31.

Conditions:
Hereditary cancer-predisposing syndrome. Also called: Tumor predisposition; Hereditary Cancer Syndrome; Hereditary neoplastic syndrome; Neoplastic Syndromes, Hereditary. Identifiers: Orphanet 140162, MedGen C0027672, MeSH D009386, MONDO:0015356.
Gastrointestinal stromal tumor. Also called: Gastrointestinal stroma tumor; Gastrointestinal stromal tumor, somatic. Identifiers: Orphanet 44890, MedGen C0238198, MeSH D046152, MONDO:0011719, OMIM 606764, HP:0100723.

Submissions (2):

Ambry Genetics
Classification: Uncertain significance for Hereditary cancer-predisposing syndrome. Last evaluated: 2023-12-31. Review status: criteria provided, single submitter. Criteria: Ambry Variant Classification Scheme 2023. Collection method: clinical testing. Allele origin: germline.
Comment: The p.L255P variant (also known as c.764T>C), located in coding exon 5 of the KIT gene, results from a T to C substitution at nucleotide position 764. The leucine at codon 255 is replaced by proline, an amino acid with similar properties. This amino acid position is conserved. In addition, this alteration is predicted to be tolerated by in silico analysis. Since supporting evidence is limited at this time, the clinical significance of this alteration remains unclear.

Labcorp Genetics (formerly Invitae), Labcorp
Classification: Uncertain significance for Gastrointestinal stromal tumor. Last evaluated: 2023-06-24. Review status: criteria provided, single submitter. Criteria: Invitae Variant Classification Sherloc (09022015). Collection method: clinical testing. Allele origin: germline.
Comment: This sequence change replaces leucine, which is neutral and non-polar, with proline, which is neutral and non-polar, at codon 255 of the KIT protein (p.Leu255Pro). This variant is not present in population databases (gnomAD no frequency). This variant has not been reported in the literature in individuals affected with KIT-related conditions. ClinVar contains an entry for this variant (Variation ID: 1404811). An algorithm developed to predict the effect of missense changes on protein structure and function (PolyPhen-2) suggests that this variant is likely to be tolerated. In summary, the available evidence is currently insufficient to determine the role of this variant in disease. Therefore, it has been classified as a Variant of Uncertain Significance.